The following is an entry in ClinVar:

NM_001353345.2(SETD1B):c.4697A>G (p.Asp1566Gly)

Gene: SETD1B (SET domain containing 1B, histone lysine methyltransferase; plus strand). Cytogenetic location: 12q24.31.
Variant type: single nucleotide variant.
Coding change: c.4697A>G on transcript NM_001353345.2 (MANE Select); coding-DNA position 4697, A replaced by G.
Protein change: p.Asp1566Gly; replaces aspartic acid 1566 with glycine.
Molecular consequence: missense variant.
Genome position (GRCh38, 1-based): chr12:121,823,276, A>G. VCF-style: chr12-121823276-A-G. GRCh37 (hg19) VCF-style: chr12-122261182-A-G.
Other names: short protein forms D1566G.
Identifiers: ClinVar variation 2643474 (VCV002643474.24), dbSNP rs2500235914, ClinGen allele CA386999526.

ClinVar aggregate classification (germline): Uncertain significance (1 of 4 stars; one submission).

Submission:

CeGaT Center for Human Genetics Tuebingen
Classification: Uncertain significance. Last evaluated: 2022-06-01. Review status: criteria provided, single submitter. Criteria: CeGaT Center For Human Genetics Tuebingen Variant Classification Criteria Version 2. Collection method: clinical testing. Allele origin: germline. Affected: yes. Observed: 1 variant allele.
Comment: SETD1B: PM2, PP2, PP3